The following is an entry in ClinVar:

NM_001378743.1(CYLD):c.454_455del (p.Leu152fs)

Gene: CYLD (CYLD lysine 63 deubiquitinase; plus strand). Cytogenetic location: 16q12.1.
Variant type: Deletion.
Coding change: c.454_455del on transcript NM_001378743.1 (MANE Select); coding-DNA positions 454 to 455, 2 bases deleted (CT; older notation c.454_455delCT).
Protein change: p.Leu152fs; shifts the reading frame from leucine 152.
Molecular consequence: frameshift variant. On other transcripts: 5 prime UTR variant (2), non-coding transcript variant (1).
Genome position (GRCh38, 1-based): chr16:50,750,152-50,750,153, CT deleted. VCF-style (leftmost placement, unchanged base first): chr16-50750151-CCT-C. GRCh37 (hg19) VCF-style: chr16-50784062-CCT-C.
Other names: c.454_455del, p.Leu152fs (NM_001042355.2, NM_001042412.3, NM_001378744.1 and 10 more transcripts); c.-209_-208del (NM_001378754.1, NM_001378755.1); short protein forms L152fs.
Identifiers: ClinVar variation 1324200 (VCV001324200.6), dbSNP rs2150897607, ClinGen allele CA2573054233.
Genomic context (GRCh38, chr16:50,750,151, plus strand): 5'-GAAAGTACAGCTGAGATCTGGGGAAGAAAAATTTCCTGGAGTTGTACGCTTCAGAGGACC[CCT>C]GTTAGCAGAGAGGACAGTCTCCGGAATATTCTTTGGAGTTGAATTGCTGGTAAGTTTGAT-3'

ClinVar aggregate classification (germline): Likely pathogenic. Review status: criteria provided, multiple submitters, no conflicts (2 of 4 stars). 2 submissions from 2 submitters: Likely pathogenic (2). Last evaluated 2019-05-30.

Conditions:
Familial cylindromatosis. Also called: Turban tumor syndrome; ANCELL-SPIEGLER CYLINDROMAS. Identifiers: Orphanet 211, Orphanet 79493, MedGen C1851526, MONDO:0007565, OMIM 132700.
Frontotemporal dementia and/or amyotrophic lateral sclerosis 8. Identifiers: MedGen C5436881, MONDO:0030872, OMIM 619132.
Brooke-Spiegler syndrome. Also called: CYLD Cutaneous Syndrome. Identifiers: Orphanet 79493, MedGen C1857941, MONDO:0011512, OMIM 605041.
Trichoepithelioma, multiple familial, 1 (MFT1). Also called: BROOKE-FORDYCE TRICHOEPITHELIOMAS; EPITHELIOMA ADENOIDES CYSTICUM OF BROOKE; EPITHELIOMA, HEREDITARY MULTIPLE BENIGN CYSTIC. Identifiers: MedGen CN296585, MONDO:0042977, OMIM 601606.

Submissions (2):

Revvity Omics, Revvity
Classification: Likely pathogenic. Last evaluated: 2019-05-30. Review status: criteria provided, single submitter. Criteria: ACMG Guidelines, 2015. Collection method: clinical testing. Allele origin: germline.

Juno Genomics, Hangzhou Juno Genomics, Inc
Classification: Likely pathogenic for Frontotemporal dementia and/or amyotrophic lateral sclerosis 8; Brooke-Spiegler syndrome; Familial cylindromatosis; Trichoepithelioma, multiple familial, 1. Review status: criteria provided, single submitter. Criteria: ACMG Guidelines, 2015. Collection method: clinical testing. Allele origin: germline.
Comment: Null variant in a gene where loss of function (LOF) is a known mechanism of disease.;Absent from controls (or at extremely low frequency if recessive) in Genome Aggregation Database.